The following is an entry in ClinVar:

NM_001198800.3(ASCC1):c.213-961C>G

Gene: ASCC1 (activating signal cointegrator 1 complex subunit 1; minus strand). Cytogenetic location: 10q22.1.
Variant type: single nucleotide variant.
Coding change: c.213-961C>G on transcript NM_001198800.3 (MANE Select); 961 bases into the intron before coding-DNA position 213, C replaced by G.
Molecular consequence: intron variant. On other transcripts: nonsense (1).
Genome position (GRCh38, 1-based): chr10:72,204,485, G>C on the plus strand (C>G on the coding strand, the complement: ASCC1 is on the minus strand). VCF-style: chr10-72204485-G-C. GRCh37 (hg19) VCF-style: chr10-73964243-G-C.
Other names: c.233C>G, p.Ser78Ter (NM_001198799.3); c.279-961C>G (NM_001369099.1, NM_001369086.1, NM_001369085.1); c.213-961C>G (NM_001369112.1, NM_001369108.1, NM_001369103.1 and 18 more transcripts); c.96-961C>G (NM_001369105.1, NM_001369102.1, NM_001369106.1 and 2 more transcripts); c.233C>G (NM_001198799.2); short protein forms S78*.
Identifiers: ClinVar variation 1221050 (VCV001221050.14), dbSNP rs11000217, ClinGen allele CA5549104.

ClinVar aggregate classification (germline): Benign. Review status: criteria provided, multiple submitters, no conflicts (2 of 4 stars). 4 submissions from 4 submitters: Benign (3). 1 of the submissions does not count toward it. Last evaluated 2026-02-01.

Conditions:
ASCC1-related disorder. Also called: ASCC1-related condition; ASCC1-Related Disorders.

Allele frequency attached by ClinVar (database versions not stated): gnomAD exomes 0.03998; ExAC 0.05434; gnomAD 0.08204 and 0.08398; TOPMed 0.08955; 1000 Genomes Project 0.11641; 1000 Genomes Project 30x 0.11930.
gnomAD v4.1: 44,028 of 1,543,298 alleles (2.9%); highest among the groups gnomAD compares: African/African-American, 24%; 2,996 homozygotes.

Submissions (4):

Labcorp Genetics (formerly Invitae), Labcorp
Classification: Benign. Last evaluated: 2026-02-01. Review status: criteria provided, single submitter. Criteria: Invitae Variant Classification Sherloc (09022015). Collection method: clinical testing. Allele origin: germline.

GeneDx
Classification: Benign. Last evaluated: 2021-05-10. Review status: criteria provided, single submitter. Criteria: GeneDx Variant Classification Process June 2021. Collection method: clinical testing. Allele origin: germline. Affected: yes.
Comment: This variant is associated with the following publications: (PMID: 26503956)

Breakthrough Genomics
Classification: Benign. Review status: criteria provided, single submitter. Criteria: ACMG Guidelines, 2015. Collection method: not provided. Allele origin: germline. Inheritance: Autosomal recessive inheritance. Affected: yes.

PreventionGenetics, part of Exact Sciences
Classification: Benign for ASCC1-related condition. Last evaluated: 2020-01-14. Review status: no assertion criteria provided. Collection method: clinical testing. Allele origin: germline. Not counted in ClinVar's aggregate classification.
Comment: This variant is classified as benign based on ACMG/AMP sequence variant interpretation guidelines (Richards et al. 2015 PMID: 25741868, with internal and published modifications).